The following is an entry in ClinVar:

ClinVar aggregate classification (germline): Uncertain significance (1 of 4 stars; one submission).

Conditions:
Cortical dysplasia-focal epilepsy syndrome (PTHSL1). Also called: Pitt-Hopkins-like syndrome 1. Identifiers: Orphanet 163681, Orphanet 221150, MedGen C2750246, MONDO:0012400, OMIM 610042.

gnomAD v4.1: 1 of 1,613,704 alleles (0.000062%); highest among the groups gnomAD compares: Non-Finnish European, 0.000085%; no homozygotes.

Submission:

Labcorp Genetics (formerly Invitae), Labcorp
Classification: Uncertain significance for Cortical dysplasia-focal epilepsy syndrome. Last evaluated: 2022-08-09. Review status: criteria provided, single submitter. Criteria: Invitae Variant Classification Sherloc (09022015). Collection method: clinical testing. Allele origin: germline.
Comment: This sequence change replaces aspartic acid, which is acidic and polar, with glutamic acid, which is acidic and polar, at codon 393 of the CNTNAP2 protein (p.Asp393Glu). This variant is not present in population databases (gnomAD no frequency). In summary, the available evidence is currently insufficient to determine the role of this variant in disease. Therefore, it has been classified as a Variant of Uncertain Significance. Algorithms developed to predict the effect of missense changes on protein structure and function are either unavailable or do not agree on the potential impact of this missense change (SIFT: "Deleterious"; PolyPhen-2: "Benign"; Align-GVGD: "Class C0"). ClinVar contains an entry for this variant (Variation ID: 946568). This variant has not been reported in the literature in individuals affected with CNTNAP2-related conditions.

NM_014141.6(CNTNAP2):c.1179C>A (p.Asp393Glu)

Gene: CNTNAP2 (contactin associated protein 2; plus strand). Cytogenetic location: 7q35.
Variant type: single nucleotide variant.
Coding change: c.1179C>A on transcript NM_014141.6 (MANE Select); coding-DNA position 1179, C replaced by A.
Protein change: p.Asp393Glu; replaces aspartic acid 393 with glutamic acid.
Molecular consequence: missense variant.
Genome position (GRCh38, 1-based): chr7:147,132,340, C>A. VCF-style: chr7-147132340-C-A. GRCh37 (hg19) VCF-style: chr7-146829432-C-A.
Other names: short protein forms D393E.
Identifiers: ClinVar variation 946568 (VCV000946568.10), dbSNP rs1801392415, ClinGen allele CA369924650.